The following is an entry in ClinVar:

NM_145290.4(ADGRA3):c.2299G>A (p.Ala767Thr)

Gene: ADGRA3 (adhesion G protein-coupled receptor A3; minus strand). Cytogenetic location: 4p15.2.
Variant type: single nucleotide variant.
Coding change: c.2299G>A on transcript NM_145290.4 (MANE Select); coding-DNA position 2299, G replaced by A.
Protein change: p.Ala767Thr; replaces alanine 767 with threonine.
Molecular consequence: missense variant.
Genome position (GRCh38, 1-based): chr4:22,402,733, C>T on the plus strand (G>A on the coding strand, the complement: ADGRA3 is on the minus strand). VCF-style: chr4-22402733-C-T. GRCh37 (hg19) VCF-style: chr4-22404356-C-T.
Other names: short protein forms A767T.
Identifiers: ClinVar variation 1984156 (VCV001984156.4), dbSNP rs757939413, ClinGen allele CA2873679.

ClinVar aggregate classification (germline): Uncertain significance (1 of 4 stars; one submission).

Allele frequency attached by ClinVar (database versions not stated): ExAC 0.00001; gnomAD 0.00001; TOPMed 0.00001.

Submission:

Labcorp Genetics (formerly Invitae), Labcorp
Classification: Uncertain significance. Last evaluated: 2022-09-02. Review status: criteria provided, single submitter. Criteria: Invitae Variant Classification Sherloc (09022015). Collection method: clinical testing. Allele origin: germline.
Comment: In summary, the available evidence is currently insufficient to determine the role of this variant in disease. Therefore, it has been classified as a Variant of Uncertain Significance. Algorithms developed to predict the effect of missense changes on protein structure and function are either unavailable or do not agree on the potential impact of this missense change (SIFT: "Deleterious"; PolyPhen-2: "Benign"; Align-GVGD: "Class C0"). This variant has not been reported in the literature in individuals affected with ADGRA3-related conditions. This variant is present in population databases (rs757939413, gnomAD 0.006%). This sequence change replaces alanine, which is neutral and non-polar, with threonine, which is neutral and polar, at codon 767 of the ADGRA3 protein (p.Ala767Thr).